The following is an entry in ClinVar:

ClinVar aggregate classification (germline): Uncertain significance. Review status: criteria provided, multiple submitters, no conflicts (2 of 4 stars). 2 submissions from 2 submitters: Uncertain significance (2). Last evaluated 2022-08-24.

Submissions (2):

GeneDx
Classification: Uncertain significance. Last evaluated: 2022-08-24. Review status: criteria provided, single submitter. Criteria: GeneDx Variant Classification Process June 2021. Collection method: clinical testing. Allele origin: germline. Affected: yes.
Comment: Has not been previously published as pathogenic or benign to our knowledge; Not observed at significant frequency in large population cohorts (gnomAD); In silico analysis supports that this missense variant has a deleterious effect on protein structure/function; Also known as p.(K266E)

ARUP Laboratories, Molecular Genetics and Genomics, ARUP Laboratories
Classification: Uncertain significance. Last evaluated: 2021-04-28. Review status: criteria provided, single submitter. Criteria: ARUP Molecular Germline Variant Investigation Process 2021. Collection method: clinical testing. Allele origin: germline.
Comment: The APOB c.877A>G, p.Lys293Glu variant, to our knowledge, has not been reported in the medical literature or gene specific databases. This variant is also absent from general population databases (1000 Genomes Project, Exome Variant Server, and Genome Aggregation Database), indicating it is not a common polymorphism. The lysine at codon 293 is weakly conserved, but computational analyses are uncertain whether this variant is neutral or deleterious (REVEL: 0.180). Based on the available information, the clinical significance of this variant is uncertain.

NM_000384.3(APOB):c.877A>G (p.Lys293Glu)

Gene: APOB (apolipoprotein B; minus strand). Cytogenetic location: 2p24.1.
Variant type: single nucleotide variant.
Coding change: c.877A>G on transcript NM_000384.3 (MANE Select); coding-DNA position 877, A replaced by G.
Protein change: p.Lys293Glu; replaces lysine 293 with glutamic acid.
Molecular consequence: missense variant.
Genome position (GRCh38, 1-based): chr2:21,034,843, T>C on the plus strand (A>G on the coding strand, the complement: APOB is on the minus strand). VCF-style: chr2-21034843-T-C. GRCh37 (hg19) VCF-style: chr2-21257715-T-C.
Other names: c.877A>G (NM_000384.2); short protein forms K293E.
Identifiers: ClinVar variation 1330894 (VCV001330894.7), dbSNP rs2103381922, ClinGen allele CA345960699.